The following is an entry in ClinVar:

NM_201253.3(CRB1):c.3508T>A (p.Ser1170Thr)

Gene: CRB1 (crumbs cell polarity complex component 1; plus strand). Cytogenetic location: 1q31.3.
Variant type: single nucleotide variant.
Coding change: c.3508T>A on transcript NM_201253.3 (MANE Select); coding-DNA position 3508, T replaced by A.
Protein change: p.Ser1170Thr; replaces serine 1170 with threonine.
Molecular consequence: missense variant. On other transcripts: non-coding transcript variant (2), intron variant (1).
Genome position (GRCh38, 1-based): chr1:197,435,371, T>A. VCF-style: chr1-197435371-T-A. GRCh37 (hg19) VCF-style: chr1-197404501-T-A.
Other names: c.3172T>A, p.Ser1058Thr (NM_001193640.2); c.3436T>A, p.Ser1146Thr (NM_001257965.2); c.2129-229T>A (NM_001257966.2); short protein forms S1058T, S1146T, S1170T.
Identifiers: ClinVar variation 4616532 (VCV004616532.2).

ClinVar aggregate classification (germline): Uncertain significance. Review status: criteria provided, multiple submitters, no conflicts (2 of 4 stars). 2 submissions from 2 submitters: Uncertain significance (2). Last evaluated 2026-03-03.

Conditions:
CRB1-related disorder. Also called: CRB1-related condition; CRB1-related disorders.
Inborn genetic diseases. Identifiers: MedGen C0950123, MeSH D030342.

Submissions (2):

PreventionGenetics, part of Exact Sciences
Classification: Uncertain significance for CRB1-related condition. Last evaluated: 2026-03-03. Review status: criteria provided, single submitter. Criteria: ACMG Guidelines, 2015. Collection method: clinical testing. Allele origin: germline.
Comment: The CRB1 c.3508T>A variant is predicted to result in the amino acid substitution p.Ser1170Thr. To our knowledge, this variant has not been reported in the literature. This variant is absent in a large population database (gnomAD), indicating this variant is rare. At this time, the clinical significance of this variant is uncertain due to the absence of conclusive functional and genetic evidence.

Ambry Genetics
Classification: Uncertain significance for Inborn genetic diseases. Last evaluated: 2025-12-02. Review status: criteria provided, single submitter. Criteria: Ambry Variant Classification Scheme 2023. Collection method: clinical testing. Allele origin: germline.